The following is an entry in ClinVar:

NM_002890.3(RASA1):c.2170A>G (p.Ser724Gly)

Genes: CCNH (cyclin H; minus strand), RASA1 (RAS p21 protein activator 1; plus strand). Cytogenetic location: 5q14.3.
Variant type: single nucleotide variant.
Coding change: c.2170A>G on transcript NM_002890.3 (MANE Select); coding-DNA position 2170, A replaced by G.
Protein change: p.Ser724Gly; replaces serine 724 with glycine.
Molecular consequence: missense variant. On other transcripts: intron variant (1).
Genome position (GRCh38, 1-based): chr5:87,376,551, A>G. VCF-style: chr5-87376551-A-G. GRCh37 (hg19) VCF-style: chr5-86672368-A-G.
Other names: c.1639A>G, p.Ser547Gly (NM_022650.3); c.933+18493T>C (NM_001364075.2); short protein forms S724G, S547G.
Identifiers: ClinVar variation 1787086 (VCV001787086.4), dbSNP rs1165212260, ClinGen allele CA360379586.
Genomic context (GRCh38, chr5:87,376,551, plus strand): 5'-GGGTCCCTGCGTGTTCGAGCACGATACTCTATGGAAAAAATCATGCCAGAAGAAGAGTAC[A>G]GTGAATTTAAAGAGGTATTAAATTATTTATCAGTCTTGTTTTTGTTGGAATTAACAGAAA-3'
Protein context (NP_002881.1, residues 714-734): MEKIMPEEEY[Ser724Gly]EFKELILQKE

ClinVar aggregate classification (germline): Uncertain significance. Review status: criteria provided, multiple submitters, no conflicts (2 of 4 stars). 2 submissions from 2 submitters: Uncertain significance (2). Last evaluated 2024-12-17.

Conditions:
Capillary malformation-arteriovenous malformation syndrome. Also called: Capillary malformation-arteriovenous malformation. Identifiers: Orphanet 137667, MedGen C1842180, MONDO:0012016.
Cardiovascular phenotype. Identifiers: MedGen CN230736.

Allele frequency attached by ClinVar (database versions not stated): gnomAD 0.00001; gnomAD exomes below 0.00001; TOPMed below 0.00001.
gnomAD v4.1: 3 of 1,613,718 alleles (0.00019%); highest among the groups gnomAD compares: East Asian, 0.0022%; no homozygotes.

Submissions (2):

Labcorp Genetics (formerly Invitae), Labcorp
Classification: Uncertain significance for Capillary malformation-arteriovenous malformation syndrome. Last evaluated: 2024-12-17. Review status: criteria provided, single submitter. Criteria: Invitae Variant Classification Sherloc (09022015). Collection method: clinical testing. Allele origin: germline.
Comment: This sequence change replaces serine, which is neutral and polar, with glycine, which is neutral and non-polar, at codon 724 of the RASA1 protein (p.Ser724Gly). This variant is not present in population databases (gnomAD no frequency). This variant has not been reported in the literature in individuals affected with RASA1-related conditions. ClinVar contains an entry for this variant (Variation ID: 1787086). An algorithm developed to predict the effect of missense changes on protein structure and function (PolyPhen-2) suggests that this variant is likely to be tolerated. In summary, the available evidence is currently insufficient to determine the role of this variant in disease. Therefore, it has been classified as a Variant of Uncertain Significance.

Ambry Genetics
Classification: Uncertain significance for Cardiovascular phenotype. Last evaluated: 2022-04-06. Review status: criteria provided, single submitter. Criteria: Ambry Variant Classification Scheme 2023. Collection method: clinical testing. Allele origin: germline.
Comment: The p.S724G variant (also known as c.2170A>G), located in coding exon 16 of the RASA1 gene, results from an A to G substitution at nucleotide position 2170. The serine at codon 724 is replaced by glycine, an amino acid with similar properties. This amino acid position is conserved. In addition, this alteration is predicted to be tolerated by in silico analysis. Since supporting evidence is limited at this time, the clinical significance of this alteration remains unclear.